The following is an entry in ClinVar:

ClinVar aggregate classification (germline): Conflicting classifications of pathogenicity. Review status: criteria provided, conflicting classifications (1 of 4 stars). 10 submissions from 10 submitters: Uncertain significance (9); Likely benign (1). Last evaluated 2025-11-26.

Conditions:
Von Hippel-Lindau syndrome (VHLS). Also called: von Hippel–Lindau syndrome; VHL syndrome; Von Hippel-Lindau. Identifiers: Orphanet 892, MedGen C0019562, MONDO:0008667, OMIM 193300. Disease mechanism: loss of function.
Chuvash polycythemia. Also called: POLYCYTHEMIA, VHL-DEPENDENT. Identifiers: Orphanet 238557, MedGen C1837915, MONDO:0009892, OMIM 263400.
Hereditary cancer-predisposing syndrome. Also called: Tumor predisposition; Hereditary neoplastic syndrome; Hereditary Cancer Syndrome; Neoplastic Syndromes, Hereditary. Identifiers: Orphanet 140162, MedGen C0027672, MeSH D009386, MONDO:0015356.
Nonpapillary renal cell carcinoma. Identifiers: Orphanet 422526, MedGen CN074294, MONDO:0007763, OMIM 144700.
Pheochromocytoma. Also called: MAX-Related Hereditary Paraganglioma-Pheochromocytoma Syndrome. Identifiers: Orphanet 29072, MedGen C0031511, MONDO:0008233, OMIM 171300, HP:0002666.

Allele frequency attached by ClinVar (database versions not stated): gnomAD 0.00001; gnomAD exomes 0.00001 and 0.00002; TOPMed 0.00001; ExAC 0.00002; ESP Exome Variant Server 0.00008.
gnomAD v4.1: 31 of 1,613,880 alleles (0.0019%); highest among the groups gnomAD compares: Non-Finnish European, 0.0023%; no homozygotes.

Submissions (10):

Labcorp Genetics (formerly Invitae), Labcorp
Classification: Uncertain significance for Von Hippel-Lindau syndrome; Chuvash polycythemia. Last evaluated: 2025-11-26. Review status: criteria provided, single submitter. Criteria: Invitae Variant Classification Sherloc (09022015). Collection method: clinical testing. Allele origin: germline.
Comment: This sequence change replaces histidine, which is basic and polar, with tyrosine, which is neutral and polar, at codon 125 of the VHL protein (p.His125Tyr). This variant is present in population databases (rs375401722, gnomAD 0.002%). This missense change has been observed in individual(s) with a personal and/or family history of breast and/or ovarian cancer and/or paraganglioma (PMID: 22566194, 31159747). ClinVar contains an entry for this variant (Variation ID: 411970). An algorithm developed to predict the effect of missense changes on protein structure and function outputs the following: PolyPhen-2: "Benign". The tyrosine amino acid residue is found in multiple mammalian species, which suggests that this missense change does not adversely affect protein function. In summary, the available evidence is currently insufficient to determine the role of this variant in disease. Therefore, it has been classified as a Variant of Uncertain Significance.

Color Diagnostics, LLC DBA Color Health
Classification: Uncertain significance for Von Hippel-Lindau syndrome. Last evaluated: 2025-06-11. Review status: criteria provided, single submitter. Criteria: ACMG Guidelines, 2015. Collection method: clinical testing. Allele origin: germline.
Comment: This missense variant replaces histidine with tyrosine at codon 125 of the VHL protein. Computational prediction suggests that this variant may not impact protein structure and function. To our knowledge, functional studies have not been reported for this variant. This variant has been reported in an individual diagnosed with a paraganglioma and no additional features suggestive of von Hippel-Lindau syndrome (PMID: 22566194). This variant has been identified in 3/251494 chromosomes in the general population by the Genome Aggregation Database (gnomAD). The available evidence is insufficient to determine the role of this variant in disease conclusively. Therefore, this variant is classified as a Variant of Uncertain Significance.

Quest Diagnostics Nichols Institute San Juan Capistrano
Classification: Uncertain significance. Last evaluated: 2025-03-18. Review status: criteria provided, single submitter. Criteria: Quest Diagnostics criteria. Collection method: clinical testing. Allele origin: unknown.

Fulgent Genetics
Classification: Uncertain significance for Nonpapillary renal cell carcinoma; Pheochromocytoma; Von Hippel-Lindau syndrome; Chuvash polycythemia. Last evaluated: 2024-03-20. Review status: criteria provided, single submitter. Criteria: ACMG Guidelines, 2015. Collection method: clinical testing. Allele origin: germline.

All of Us Research Program, National Institutes of Health
Classification: Uncertain significance for Von Hippel-Lindau syndrome. Last evaluated: 2023-06-08. Review status: criteria provided, single submitter. Criteria: ACMG Guidelines, 2015. Collection method: clinical testing. Allele origin: germline. Inheritance: Autosomal dominant inheritance. Observed: 1 variant allele, 1 heterozygote.
Comment: This missense variant replaces histidine with tyrosine at codon 125 of the VHL protein. Computational prediction suggests that this variant may not impact protein structure and function (internally defined REVEL score threshold <= 0.5, PMID: 27666373). To our knowledge, functional studies have not been reported for this variant. This variant has been reported in an individual diagnosed with a paraganglioma and no additional features suggestive of von Hippel-Lindau syndrome (PMID: 22566194). This variant has been identified in 3/251494 chromosomes in the general population by the Genome Aggregation Database (gnomAD). The available evidence is insufficient to determine the role of this variant in disease conclusively. Therefore, this variant is classified as a Variant of Uncertain Significance.

This study involves interpretation of variants in research participants for the purpose of population health screening. Participant phenotype was not available at the time of variant classification. Additional details can be found in publication PMID: 35346344, PMCID: PMC8962531

GeneDx
Classification: Uncertain significance. Last evaluated: 2022-09-19. Review status: criteria provided, single submitter. Criteria: GeneDx Variant Classification Process June 2021. Collection method: clinical testing. Allele origin: germline. Affected: yes.
Comment: Not observed at significant frequency in large population cohorts (gnomAD); In silico analysis supports that this missense variant has a deleterious effect on protein structure/function; Identified in an individual with paraganglioma but no other features of von Hippel-Lindau disease, as well as in an individual with a personal/family history of cancer not otherwise specified (Persu et al., 2012; Tsaousis et al., 2019); This variant is associated with the following publications: (PMID: 31159747, 24969085, 22566194)

Genetics and Molecular Pathology, SA Pathology
Classification: Uncertain significance for Von Hippel-Lindau syndrome. Last evaluated: 2021-07-20. Review status: criteria provided, single submitter. Criteria: ACMG Guidelines, 2015. Collection method: clinical testing. Allele origin: germline. Inheritance: Autosomal dominant inheritance. Affected: yes.

Ambry Genetics
Classification: Likely benign for Hereditary cancer-predisposing syndrome. Last evaluated: 2020-05-06. Review status: criteria provided, single submitter. Criteria: Ambry Variant Classification Scheme 2023. Collection method: clinical testing. Allele origin: germline.

GeneKor MSA
Classification: Uncertain significance for Hereditary cancer-predisposing syndrome. Last evaluated: 2018-08-01. Review status: criteria provided, single submitter. Criteria: ACMG Guidelines, 2015. Collection method: clinical testing. Allele origin: germline. Affected: yes.

CeGaT Center for Human Genetics Tuebingen
Classification: Uncertain significance. Last evaluated: 2018-07-01. Review status: criteria provided, single submitter. Criteria: CeGaT Center For Human Genetics Tuebingen Variant Classification Criteria Version 2. Collection method: clinical testing. Allele origin: germline. Affected: yes. Observed: 1 variant allele.

Literature cited by the submitters: PubMed 22566194 (cited by 3 submitters); PubMed 31159747 (cited by Labcorp Genetics (formerly Invitae), Labcorp).

NM_000551.4(VHL):c.373C>T (p.His125Tyr)

Genes: VHL (von Hippel-Lindau tumor suppressor; plus strand), LOC107303340 (3p25 von Hippel-Lindau tumor suppressor, E3 ubiquitin protein ligase Alu-mediated recombination region; plus strand). Cytogenetic location: 3p25.3.
Variant type: single nucleotide variant.
Coding change: c.373C>T on transcript NM_000551.4 (MANE Select); coding-DNA position 373, C replaced by T.
Protein change: p.His125Tyr; replaces histidine 125 with tyrosine.
Molecular consequence: missense variant. On other transcripts: intron variant (2).
Genome position (GRCh38, 1-based): chr3:10,146,546, C>T. VCF-style: chr3-10146546-C-T. GRCh37 (hg19) VCF-style: chr3-10188230-C-T.
Other names: c.*18-3241C>T (NM_001354723.2); c.341-3241C>T (NM_198156.3); short protein forms H125Y.
Identifiers: ClinVar variation 411970 (VCV000411970.61), dbSNP rs375401722, ClinGen allele CA040676.